The following is an entry in ClinVar:

NM_005592.4(MUSK):c.230T>C (p.Ile77Thr)

Gene: MUSK (muscle associated receptor tyrosine kinase; plus strand). Cytogenetic location: 9q31.3.
Variant type: single nucleotide variant.
Coding change: c.230T>C on transcript NM_005592.4 (MANE Select); coding-DNA position 230, T replaced by C.
Protein change: p.Ile77Thr; replaces isoleucine 77 with threonine.
Molecular consequence: missense variant.
Genome position (GRCh38, 1-based): chr9:110,687,140, T>C. VCF-style: chr9-110687140-T-C. GRCh37 (hg19) VCF-style: chr9-113449420-T-C.
Other names: c.230T>C (NM_005592.3); c.230T>C, p.Ile77Thr (NM_001166280.2, NM_001166281.2); short protein forms I77T.
Identifiers: ClinVar variation 1516592 (VCV001516592.6), dbSNP rs547322569, ClinGen allele CA5183969.
Genomic context (GRCh38, chr9:110,687,140, plus strand): 5'-GAAGCACTAATCTGTCATTTTTTTCTGTGACCTGCAGACTCTTTGACACCCGGTACAGCA[T>C]CCGGGAGAATGGGCAGCTCCTCACCATCCTGAGTGTGGAAGACAGTGATGATGGCATTTA-3'
Protein context (NP_005583.1, residues 67-87): LIKLFDTRYS[Ile77Thr]RENGQLLTIL

ClinVar aggregate classification (germline): Uncertain significance. Review status: criteria provided, multiple submitters, no conflicts (2 of 4 stars). 2 submissions from 2 submitters: Uncertain significance (2). Last evaluated 2022-03-30.

Conditions:
Fetal akinesia deformation sequence 1 (FADS1). Also called: Pena-Shokeir syndrome type I; Fetal akinesia sequence. Identifiers: Orphanet 994, MedGen C1276035, MONDO:0100101, OMIM 208150, HP:0001989.
Congenital myasthenic syndrome 9. Also called: Myasthenic syndrome, congenital, 9, associated with acetylcholine receptor deficiency. Identifiers: Orphanet 590, MedGen C4225368, MONDO:0014587, OMIM 616325.
Inborn genetic diseases. Identifiers: MedGen C0950123, MeSH D030342.

Allele frequency attached by ClinVar (database versions not stated): TOPMed 0.00001; gnomAD exomes 0.00002 and 0.00003; gnomAD 0.00003; ExAC 0.00004; 1000 Genomes Project 30x 0.00031; 1000 Genomes Project 0.00040.
gnomAD v4.1: 34 of 1,613,608 alleles (0.0021%); highest among the groups gnomAD compares: South Asian, 0.035%; 1 homozygote.

Submissions (2):

Ambry Genetics
Classification: Uncertain significance for Inborn genetic diseases. Last evaluated: 2022-03-30. Review status: criteria provided, single submitter. Criteria: Ambry Variant Classification Scheme 2023. Collection method: clinical testing. Allele origin: germline.

Labcorp Genetics (formerly Invitae), Labcorp
Classification: Uncertain significance for Congenital myasthenic syndrome 9; Fetal akinesia deformation sequence 1. Last evaluated: 2021-08-14. Review status: criteria provided, single submitter. Criteria: Invitae Variant Classification Sherloc (09022015). Collection method: clinical testing. Allele origin: germline.
Comment: This sequence change replaces isoleucine with threonine at codon 77 of the MUSK protein (p.Ile77Thr). The isoleucine residue is highly conserved and there is a moderate physicochemical difference between isoleucine and threonine. This variant is present in population databases (rs547322569, ExAC 0.03%). This variant has not been reported in the literature in individuals affected with MUSK-related conditions. Advanced modeling of protein sequence and biophysical properties (such as structural, functional, and spatial information, amino acid conservation, physicochemical variation, residue mobility, and thermodynamic stability) performed at Invitae indicates that this missense variant is not expected to disrupt MUSK protein function. In summary, the available evidence is currently insufficient to determine the role of this variant in disease. Therefore, it has been classified as a Variant of Uncertain Significance.